The following is an entry in ClinVar:

NM_001365276.2(TNXB):c.1459_1472dup (p.Cys492fs)

Gene: TNXB (tenascin XB; minus strand). Cytogenetic location: 6p21.33.
Variant type: Duplication.
Coding change: c.1459_1472dup on transcript NM_001365276.2 (MANE Select); coding-DNA positions 1459 to 1472, 14 bases duplicated (TACACAGGCCGGGA).
Protein change: p.Cys492fs; shifts the reading frame from cysteine 492.
Molecular consequence: frameshift variant.
Genome position (GRCh38, 1-based): chr6:32,096,381-32,096,394, TCCCGGCCTGTGTA duplicated on the plus strand (TACACAGGCCGGGA on the coding strand, the reverse complement: TNXB is on the minus strand). VCF-style (leftmost placement, unchanged base first): chr6-32096380-G-GTCCCGGCCTGTGTA. GRCh37 (hg19) VCF-style: chr6-32064157-G-GTCCCGGCCTGTGTA.
Other names: c.1459_1472dup, p.Cys492fs (NM_001428335.1, NM_019105.8); c.1459_1472dupTACACAGGCCGGGA (NM_019105.6); short protein forms C492fs.
Identifiers: ClinVar variation 4822369 (VCV004822369.5).

ClinVar aggregate classification (germline): Pathogenic. Review status: criteria provided, multiple submitters, no conflicts (2 of 4 stars). 2 submissions from 2 submitters: Pathogenic (2). Last evaluated 2026-07-22.

Conditions:
Cardiovascular phenotype. Identifiers: MedGen CN230736.

Submissions (2):

Ambry Genetics
Classification: Pathogenic for Cardiovascular phenotype. Last evaluated: 2026-07-22. Review status: criteria provided, single submitter. Criteria: Ambry Variant Classification Scheme 2023. Collection method: clinical testing. Allele origin: germline.
Comment: The c.1459_1472dup14 pathogenic mutation, located in coding exon 2 of the TNXB gene, results from a duplication of TACACAGGCCGGGA at nucleotide position 1459, causing a translational frameshift with a predicted alternate stop codon (p.C492Tfs*84). This variant is considered to be rare based on population cohorts in the Genome Aggregation Database (gnomAD). This alteration is expected to result in loss of function by premature protein truncation or nonsense-mediated mRNA decay. As such, this alteration is interpreted as a disease-causing mutation.

CeGaT Center for Human Genetics Tuebingen
Classification: Pathogenic. Last evaluated: 2026-03-01. Review status: criteria provided, single submitter. Criteria: CeGaT Center For Human Genetics Tuebingen Variant Classification Criteria Version 2. Collection method: clinical testing. Allele origin: germline. Affected: yes. Observed: 1 variant allele.
Comment: TNXB: PVS1, PM2